The following is an entry in ClinVar:

NM_030962.4(SBF2):c.5288G>A (p.Arg1763His)

Genes: SBF2 (SET binding factor 2; minus strand), SBF2-AS1 (SBF2 antisense RNA 1; plus strand), LOC105369149 (uncharacterized LOC105369149; plus strand). Cytogenetic location: 11p15.4.
Variant type: single nucleotide variant.
Coding change: c.5288G>A on transcript NM_030962.4 (MANE Select); coding-DNA position 5288, G replaced by A.
Protein change: p.Arg1763His; replaces arginine 1763 with histidine.
Molecular consequence: missense variant.
Genome position (GRCh38, 1-based): chr11:9,784,382, C>T on the plus strand (G>A on the coding strand, the complement: SBF2 is on the minus strand). VCF-style: chr11-9784382-C-T. GRCh37 (hg19) VCF-style: chr11-9805929-C-T.
Other names: c.5384G>A, p.Arg1795His (NM_001386339.1); c.5159G>A, p.Arg1720His (NM_001386342.1); short protein forms R1720H, R1763H, R1795H.
Identifiers: ClinVar variation 1042950 (VCV001042950.9), dbSNP rs770839463, ClinGen allele CA5880746.

ClinVar aggregate classification (germline): Uncertain significance (1 of 4 stars; one submission).

Conditions:
Charcot-Marie-Tooth disease type 4. Also called: Charcot-Marie-Tooth, Type 4; Charcot-Marie-Tooth disease, type IV. Identifiers: Orphanet 64749, MedGen C4082197, MONDO:0018995.

Allele frequency attached by ClinVar (database versions not stated): gnomAD exomes below 0.00001 and 0.00002; TOPMed below 0.00001; gnomAD 0.00001; ExAC 0.00002.
gnomAD v4.1: 8 of 1,614,002 alleles (0.0005%); highest among the groups gnomAD compares: Admixed American, 0.005%; no homozygotes.

Submission:

Labcorp Genetics (formerly Invitae), Labcorp
Classification: Uncertain significance for Charcot-Marie-Tooth disease type 4. Last evaluated: 2020-03-04. Review status: criteria provided, single submitter. Criteria: Invitae Variant Classification Sherloc (09022015). Collection method: clinical testing. Allele origin: germline.
Comment: In summary, the available evidence is currently insufficient to determine the role of this variant in disease. Therefore, it has been classified as a Variant of Uncertain Significance. Algorithms developed to predict the effect of missense changes on protein structure and function are either unavailable or do not agree on the potential impact of this missense change (SIFT: "Deleterious"; PolyPhen-2: "Probably Damaging"; Align-GVGD: "Class C0"). This variant has not been reported in the literature in individuals with SBF2-related disease. This variant is present in population databases (rs770839463, ExAC 0.02%). This sequence change replaces arginine with histidine at codon 1763 of the SBF2 protein (p.Arg1763His). The arginine residue is highly conserved and there is a small physicochemical difference between arginine and histidine.